The following is an entry in ClinVar:

NM_000391.4(TPP1):c.1097G>A (p.Trp366Ter)

Gene: TPP1 (tripeptidyl peptidase 1; minus strand). Cytogenetic location: 11p15.4.
Variant type: single nucleotide variant.
Coding change: c.1097G>A on transcript NM_000391.4 (MANE Select); coding-DNA position 1097, G replaced by A.
Protein change: p.Trp366Ter; replaces tryptophan 366 with a stop codon.
Molecular consequence: nonsense.
Genome position (GRCh38, 1-based): chr11:6,616,053, C>T on the plus strand (G>A on the coding strand, the complement: TPP1 is on the minus strand). VCF-style: chr11-6616053-C-T. GRCh37 (hg19) VCF-style: chr11-6637284-C-T.
Other names: short protein forms W366*.
Identifiers: ClinVar variation 2707196 (VCV002707196.3), dbSNP rs2493797672, ClinGen allele CA379473825.

ClinVar aggregate classification (germline): Pathogenic (1 of 4 stars; one submission).

Submission:

Labcorp Genetics (formerly Invitae), Labcorp
Classification: Pathogenic. Last evaluated: 2023-06-15. Review status: criteria provided, single submitter. Criteria: Invitae Variant Classification Sherloc (09022015). Collection method: clinical testing. Allele origin: germline.
Comment: For these reasons, this variant has been classified as Pathogenic. This variant has not been reported in the literature in individuals affected with TPP1-related conditions. This variant is not present in population databases (gnomAD no frequency). This sequence change creates a premature translational stop signal (p.Trp366*) in the TPP1 gene. It is expected to result in an absent or disrupted protein product. Loss-of-function variants in TPP1 are known to be pathogenic (PMID: 10330339).

Literature cited by the submitters: PubMed 10330339.